The following is an entry in ClinVar:

NM_001276270.2(MBD4):c.1580A>C (p.Glu527Ala)

Gene: MBD4 (methyl-CpG binding domain 4, DNA glycosylase; minus strand). Cytogenetic location: 3q21.3.
Variant type: single nucleotide variant.
Coding change: c.1580A>C on transcript NM_001276270.2 (MANE Select); coding-DNA position 1580, A replaced by C.
Protein change: p.Glu527Ala; replaces glutamic acid 527 with alanine.
Molecular consequence: missense variant.
Genome position (GRCh38, 1-based): chr3:129,432,570, T>G on the plus strand (A>C on the coding strand, the complement: MBD4 is on the minus strand). VCF-style: chr3-129432570-T-G. GRCh37 (hg19) VCF-style: chr3-129151413-T-G.
Other names: c.1598A>C, p.Glu533Ala (NM_001276271.2, NM_001276272.2, NM_003925.3); c.644A>C, p.Glu215Ala (NM_001276273.2); short protein forms E527A, E533A, E215A.
Identifiers: ClinVar variation 3689797 (VCV003689797.2).

ClinVar aggregate classification (germline): Uncertain significance (1 of 4 stars; one submission).

Submission:

Labcorp Genetics (formerly Invitae), Labcorp
Classification: Uncertain significance. Last evaluated: 2026-01-11. Review status: criteria provided, single submitter. Criteria: Invitae Variant Classification Sherloc (09022015). Collection method: clinical testing. Allele origin: germline.
Comment: This sequence change replaces glutamic acid, which is acidic and polar, with alanine, which is neutral and non-polar, at codon 533 of the MBD4 protein (p.Glu533Ala). This variant is not present in population databases (gnomAD no frequency). This variant has not been reported in the literature in individuals affected with MBD4-related conditions. ClinVar contains an entry for this variant (Variation ID: 3689797). An algorithm developed to predict the effect of missense changes on protein structure and function (PolyPhen-2) suggests that this variant is likely to be disruptive. In summary, the available evidence is currently insufficient to determine the role of this variant in disease. Therefore, it has been classified as a Variant of Uncertain Significance.